The following is an entry in ClinVar:

NM_032638.5(GATA2):c.202G>C (p.Ala68Pro)

Gene: GATA2 (GATA binding protein 2; minus strand). Cytogenetic location: 3q21.3.
Variant type: single nucleotide variant.
Coding change: c.202G>C on transcript NM_032638.5 (MANE Select); coding-DNA position 202, G replaced by C.
Protein change: p.Ala68Pro; replaces alanine 68 with proline.
Molecular consequence: missense variant.
Genome position (GRCh38, 1-based): chr3:128,486,830, C>G on the plus strand (G>C on the coding strand, the complement: GATA2 is on the minus strand). VCF-style: chr3-128486830-C-G. GRCh37 (hg19) VCF-style: chr3-128205673-C-G.
Other names: c.202G>C, p.Ala68Pro (NM_001145661.2, NM_001145662.1); short protein forms A68P.
Identifiers: ClinVar variation 3344537 (VCV003344537.1).
Genomic context (GRCh38, chr3:128,486,830, plus strand): 5'-CTGGGTTCTCATCACCACGGGCCCAGTGCTCACCGTGCGCGGGGCTGTAGGAGACGCGCG[C>G]CCGCGCGTGAGCGGGGTTGGCATAGTAGGGGTTGCCCTGCGAGTCGAGGTGATTGAAGAA-3'
Protein context (NP_116027.2, residues 58-78): PYYANPAHAR[Ala68Pro]RVSYSPAHAR

ClinVar aggregate classification (germline): Uncertain significance (0 of 4 stars; one submission).

Conditions:
GATA2-related disorder. Also called: GATA2-related condition; GATA2-Related Disorders.

gnomAD v4.1: 7 of 1,610,096 alleles (0.00043%); highest among the groups gnomAD compares: Non-Finnish European, 0.00059%; no homozygotes.

Submission:

PreventionGenetics, part of Exact Sciences
Classification: Uncertain significance for GATA2-related condition. Last evaluated: 2024-04-23. Review status: no assertion criteria provided. Collection method: clinical testing. Allele origin: germline.
Comment: The GATA2 c.202G>C variant is predicted to result in the amino acid substitution p.Ala68Pro. To our knowledge, this variant has not been reported in the literature or in a large population database, indicating this variant is rare. At this time, the clinical significance of this variant is uncertain due to the absence of conclusive functional and genetic evidence.